The following is an entry in ClinVar:

ClinVar aggregate classification (germline): Uncertain significance (1 of 4 stars; one submission).

Conditions:
Inborn genetic diseases. Identifiers: MedGen C0950123, MeSH D030342.

gnomAD v4.1: 1 of 1,613,790 alleles (0.000062%); highest among the groups gnomAD compares: Non-Finnish European, 0.000085%; no homozygotes.

Submission:

Ambry Genetics
Classification: Uncertain significance for Inborn genetic diseases. Last evaluated: 2025-03-27. Review status: criteria provided, single submitter. Criteria: Ambry Variant Classification Scheme 2023. Collection method: clinical testing. Allele origin: germline.
Comment: The p.C338F variant (also known as c.1013G>T), located in coding exon 10 of the DDX41 gene, results from a G to T substitution at nucleotide position 1013. The cysteine at codon 338 is replaced by phenylalanine, an amino acid with highly dissimilar properties. This amino acid position is conserved. In addition, the in silico prediction for this alteration is inconclusive. Based on the available evidence, the clinical significance of this variant remains unclear.

NM_016222.4(DDX41):c.1013G>T (p.Cys338Phe)

Gene: DDX41 (DEAD-box helicase 41; minus strand). Cytogenetic location: 5q35.3.
Variant type: single nucleotide variant.
Coding change: c.1013G>T on transcript NM_016222.4 (MANE Select); coding-DNA position 1013, G replaced by T.
Protein change: p.Cys338Phe; replaces cysteine 338 with phenylalanine.
Molecular consequence: missense variant.
Genome position (GRCh38, 1-based): chr5:177,513,770, C>A on the plus strand (G>T on the coding strand, the complement: DDX41 is on the minus strand). VCF-style: chr5-177513770-C-A. GRCh37 (hg19) VCF-style: chr5-176940771-C-A.
Other names: c.635G>T, p.Cys212Phe (NM_001321732.2, NM_001321830.2); short protein forms C212F, C338F.
Identifiers: ClinVar variation 4010290 (VCV004010290.1).
Genomic context (GRCh38, chr5:177,513,770, plus strand): 5'-ATGTCACCCTCGAAGCCCATGTCGATCATGCGGTCAGCCTCGTCCAGGGCCAGGTAGCGA[C>A]AGATGTCTAGGCTGACCATCTTCTTCTGCAGCAAATCCATGAGGCGCCCCGGGGTGGCCA-3'
Protein context (NP_057306.2, residues 328-348): LQKKMVSLDI[Cys338Phe]RYLALDEADR